The following is an entry in ClinVar:

ClinVar aggregate classification (germline): Uncertain significance. Review status: criteria provided, multiple submitters, no conflicts (2 of 4 stars). 2 submissions from 2 submitters: Uncertain significance (2). Last evaluated 2023-05-15.

Conditions:
Inborn genetic diseases. Identifiers: MedGen C0950123, MeSH D030342.

Submissions (2):

GeneDx
Classification: Uncertain significance. Last evaluated: 2023-05-15. Review status: criteria provided, single submitter. Criteria: GeneDx Variant Classification Process June 2021. Collection method: clinical testing. Allele origin: germline. Affected: yes.
Comment: Reported homozygous in a proband with perianal abscesses with multiple fistulas, severe colitis, and failure to thrive, but without severe or atypical infections (Sultan et al., 2022); Not observed in large population cohorts (gnomAD); In silico analysis supports that this missense variant has a deleterious effect on protein structure/function; This variant is associated with the following publications: (PMID: 36466854)

Ambry Genetics
Classification: Uncertain significance for Inborn genetic diseases. Last evaluated: 2022-01-27. Review status: criteria provided, single submitter. Criteria: Ambry Variant Classification Scheme 2023. Collection method: clinical testing. Allele origin: germline.

NM_001354930.2(RIPK1):c.580G>A (p.Ala194Thr)

Gene: RIPK1 (receptor interacting serine/threonine kinase 1; plus strand). Cytogenetic location: 6p25.2.
Variant type: single nucleotide variant.
Coding change: c.580G>A on transcript NM_001354930.2 (MANE Select); coding-DNA position 580, G replaced by A.
Protein change: p.Ala194Thr; replaces alanine 194 with threonine.
Molecular consequence: missense variant.
Genome position (GRCh38, 1-based): chr6:3,083,205, G>A. VCF-style: chr6-3083205-G-A. GRCh37 (hg19) VCF-style: chr6-3083439-G-A.
Other names: c.91G>A, p.Ala31Thr (NM_001317061.3, NM_001354932.2, NM_001354933.2 and 1 more transcripts); c.442G>A, p.Ala148Thr (NM_001354931.2); c.580G>A, p.Ala194Thr (NM_003804.6); c.580G>A (NM_003804.4); short protein forms A194T, A148T, A31T.
Identifiers: ClinVar variation 2274057 (VCV002274057.3), dbSNP rs1452255294, ClinGen allele CA362579226.